The following is an entry in ClinVar:

NM_000237.3(LPL):c.1019-3C>G

Gene: LPL (lipoprotein lipase; plus strand). Cytogenetic location: 8p21.3.
Variant type: single nucleotide variant.
Coding change: c.1019-3C>G on transcript NM_000237.3 (MANE Select); 3 bases into the intron before coding-DNA position 1019, C replaced by G.
Molecular consequence: intron variant.
Genome position (GRCh38, 1-based): chr8:19,959,257, C>G. VCF-style: chr8-19959257-C-G. GRCh37 (hg19) VCF-style: chr8-19816768-C-G.
Identifiers: ClinVar variation 4856657 (VCV004856657.1).
Genomic context (GRCh38, chr8:19,959,257, plus strand): 5'-CTATTTGGGGTTGTGATATTTTCATAAAGATTGATCAACATGTTCGAATTTCCTCCCCAA[C>G]AGTCTTCCATTACCAAGTAAAGATTCATTTTTCTGGGACTGAGAGTGAAACCCATACCAA-3'

ClinVar aggregate classification (germline): Likely pathogenic (1 of 4 stars; one submission).

Conditions:
Hyperlipoproteinemia, type I. Also called: HYPERLIPOPROTEINEMIA, TYPE IA; LPL DEFICIENCY; Lipase D deficiency; Familial Lipoprotein Lipase Deficiency; Hyperlipoproteinemia type 1; Hyperchylomicro-nemia familial. Identifiers: Orphanet 309015, Orphanet 444490, MedGen C0023817, MONDO:0009387, OMIM 238600. Disease mechanism: loss of function.

Submission:

Cardiovascular Genetics Laboratory, PathWest Laboratory Medicine WA - Fiona Stanley Hospital
Classification: Likely pathogenic for Hyperlipoproteinemia, type I. Last evaluated: 2022-12-01. Review status: criteria provided, single submitter. Criteria: ACMG Guidelines, 2015. Collection method: clinical testing. Allele origin: germline. Affected: yes.
Comment: The LPL c.1019-3C>G variant is absent from the gnomAD population database (~250,000 alleles) and is likely pathogenic. The variant is predicted to abolish the intron 6 splice acceptor site. It has been previously identified in a patient with familial chylomicronaemia syndrome, who was heterozygous for the variant and a second likely pathogenic variant (PMID: 35085586). A C>A mutation at the same position was identified in patients with LPL deficiency and was shown to cause aberrant splicing of the LPL gene (PMID: 7897314).

Literature cited by the submitters: PubMed 7897314; PubMed 35085586.